The following is an entry in ClinVar:

ClinVar aggregate classification (germline): Benign/Likely benign. Review status: criteria provided, multiple submitters, no conflicts (2 of 4 stars). 13 submissions from 12 submitters: Benign (9); Likely benign (1). 3 of the submissions do not count toward it. Last evaluated 2026-04-01.

Conditions:
Adams-Oliver syndrome 5 (AOS5). Identifiers: Orphanet 974, MedGen C4014970, MONDO:0014459, OMIM 616028.
Familial thoracic aortic aneurysm and aortic dissection (TAAD). Also called: Thoracic aortic aneurysms and dissections. Identifiers: Orphanet 91387, MedGen C4707243, MONDO:0019625.
Aortic valve disease 1 (AOVD1). Identifiers: MedGen C3887892, MONDO:0024523, OMIM 109730.

Allele frequency attached by ClinVar (database versions not stated): gnomAD exomes 0.00047 and 0.00133; gnomAD 0.00530 and 0.00557; ESP Exome Variant Server 0.00532; TOPMed 0.00626; 1000 Genomes Project 30x 0.00703; 1000 Genomes Project 0.00759; ExAC 0.00153.
gnomAD v4.1: 1,533 of 1,612,812 alleles (0.095%); highest among the groups gnomAD compares: African/African-American, 1.7%; 13 homozygotes.

Submissions (13):

CeGaT Center for Human Genetics Tuebingen
Classification: Benign. Last evaluated: 2026-04-01. Review status: criteria provided, single submitter. Criteria: CeGaT Center For Human Genetics Tuebingen Variant Classification Criteria Version 2. Collection method: clinical testing. Allele origin: germline. Affected: yes. Observed: 1 variant allele.
Comment: NOTCH1: BP4, BS1, BS2

Labcorp Genetics (formerly Invitae), Labcorp
Classification: Benign for Adams-Oliver syndrome 5. Last evaluated: 2026-02-02. Review status: criteria provided, single submitter. Criteria: Invitae Variant Classification Sherloc (09022015). Collection method: clinical testing. Allele origin: germline.

Mayo Clinic Laboratories, Mayo Clinic
Classification: Benign. Last evaluated: 2024-12-12. Review status: criteria provided, single submitter. Criteria: ACMG Guidelines, 2015. Collection method: clinical testing. Allele origin: germline. Observed: 2 variant alleles.
Comment: BS1, BS2, BP4

Blueprint Genetics
Classification: Benign. Last evaluated: 2024-08-28. Review status: criteria provided, single submitter. Criteria: ACMG Guidelines, 2015. Collection method: clinical testing. Allele origin: germline.

Women's Health and Genetics/Laboratory Corporation of America, LabCorp
Classification: Likely benign. Last evaluated: 2023-07-21. Review status: criteria provided, single submitter. Criteria: LabCorp Variant Classification Summary - May 2015. Collection method: clinical testing. Allele origin: germline.

Genome-Nilou Lab
Classification: Benign for Adams-Oliver syndrome 5. Last evaluated: 2022-03-15. Review status: criteria provided, single submitter. Criteria: ACMG Guidelines, 2015. Collection method: clinical testing. Allele origin: germline. Affected: no.

Genome-Nilou Lab
Classification: Benign for Aortic valve disease 1. Last evaluated: 2022-03-15. Review status: criteria provided, single submitter. Criteria: ACMG Guidelines, 2015. Collection method: clinical testing. Allele origin: germline. Affected: no.

CHEO Genetics Diagnostic Laboratory, Children's Hospital of Eastern Ontario
Classification: Benign for Familial thoracic aortic aneurysm and aortic dissection. Last evaluated: 2017-09-01. Review status: criteria provided, single submitter. Criteria: ACMG Guidelines, 2015. Collection method: clinical testing. Allele origin: germline. Study: Canadian Open Genetics Repository.

GeneDx
Classification: Benign. Last evaluated: 2017-01-18. Review status: criteria provided, single submitter. Criteria: GeneDx Variant Classification (06012015). Collection method: clinical testing. Allele origin: germline. Affected: yes.
Comment: This variant is considered likely benign or benign based on one or more of the following criteria: it is a conservative change, it occurs at a poorly conserved position in the protein, it is predicted to be benign by multiple in silico algorithms, and/or has population frequency not consistent with disease.

Ambry Genetics
Classification: Benign for Familial thoracic aortic aneurysm and aortic dissection. Last evaluated: 2015-09-22. Review status: criteria provided, single submitter. Criteria: Ambry Variant Classification Scheme 2023. Collection method: clinical testing. Allele origin: germline.

ITMI
No classification provided. Condition: AllHighlyPenetrant. Last evaluated: 2013-09-19. Review status: no classification provided. Collection method: reference population. Allele origin: germline. Not counted in ClinVar's aggregate classification.
Comment: Please see associated publication for description of ethnicities

Clinical Genetics DNA and cytogenetics Diagnostics Lab, Erasmus MC, Erasmus Medical Center
Classification: Benign. Review status: no assertion criteria provided. Collection method: clinical testing. Allele origin: germline. Affected: yes. Study: VKGL Data-share Consensus. Not counted in ClinVar's aggregate classification.

Genome Diagnostics Laboratory, Amsterdam University Medical Center
Classification: Benign. Review status: no assertion criteria provided. Collection method: clinical testing. Allele origin: germline. Affected: yes. Study: VKGL Data-share Consensus. Not counted in ClinVar's aggregate classification.

Literature cited by the submitters: PubMed 24943832 (cited by Women's Health and Genetics/Laboratory Corporation of America, LabCorp); PubMed 16614245 (cited by Women's Health and Genetics/Laboratory Corporation of America, LabCorp); PubMed 21670202 (cited by Women's Health and Genetics/Laboratory Corporation of America, LabCorp); PubMed 22210878 (cited by Women's Health and Genetics/Laboratory Corporation of America, LabCorp); PubMed 19635999 (cited by Women's Health and Genetics/Laboratory Corporation of America, LabCorp); PubMed 26837699 (cited by Women's Health and Genetics/Laboratory Corporation of America, LabCorp); PubMed 23086750 (cited by Women's Health and Genetics/Laboratory Corporation of America, LabCorp); PubMed 19245433 (cited by Women's Health and Genetics/Laboratory Corporation of America, LabCorp); PubMed 22077063 (cited by Women's Health and Genetics/Laboratory Corporation of America, LabCorp); PubMed 15472075 (cited by Women's Health and Genetics/Laboratory Corporation of America, LabCorp); PubMed 23734977 (cited by Women's Health and Genetics/Laboratory Corporation of America, LabCorp); PubMed 22858860 (cited by Women's Health and Genetics/Laboratory Corporation of America, LabCorp); PubMed 24728327 (cited by ITMI).

NM_017617.5(NOTCH1):c.6991G>A (p.Ala2331Thr)

Gene: NOTCH1 (notch receptor 1; minus strand). Cytogenetic location: 9q34.3.
Variant type: single nucleotide variant.
Coding change: c.6991G>A on transcript NM_017617.5 (MANE Select); coding-DNA position 6991, G replaced by A.
Protein change: p.Ala2331Thr; replaces alanine 2331 with threonine.
Molecular consequence: missense variant.
Genome position (GRCh38, 1-based): chr9:136,496,748, C>T on the plus strand (G>A on the coding strand, the complement: NOTCH1 is on the minus strand). VCF-style: chr9-136496748-C-T. GRCh37 (hg19) VCF-style: chr9-139391200-C-T.
Other names: p.Ala2331Thr; c.6991G>A, p.Ala2331Thr (LRG_1122t1); c.6991G>A (NM_017617.4); short protein forms A2331T.
Identifiers: ClinVar variation 134957 (VCV000134957.26), dbSNP rs111309246, ClinGen allele CA161241.